The following is an entry in ClinVar:

ClinVar aggregate classification (germline): Likely benign. Review status: criteria provided, multiple submitters, no conflicts (2 of 4 stars). 3 submissions from 3 submitters: Likely benign (3). Last evaluated 2025-07-17.

Conditions:
Hereditary nonpolyposis colorectal neoplasms. Identifiers: MedGen C0009405, MeSH D003123.
Hereditary cancer-predisposing syndrome. Also called: Tumor predisposition; Hereditary Cancer Syndrome; Hereditary neoplastic syndrome; Neoplastic Syndromes, Hereditary. Identifiers: Orphanet 140162, MedGen C0027672, MeSH D009386, MONDO:0015356.
Lynch syndrome 5 (LYNCH5). Also called: Hereditary non-polyposis colorectal cancer, type 5; Colorectal cancer, hereditary nonpolyposis, type 5. Identifiers: Orphanet 144, MedGen C1833477, MONDO:0013710, OMIM 614350. Disease mechanism: loss of function.

Allele frequency attached by ClinVar (database versions not stated): gnomAD exomes below 0.00001; TOPMed below 0.00001.
gnomAD v4.1: 1 of 1,614,144 alleles (0.000062%); highest among the groups gnomAD compares: Non-Finnish European, 0.000085%; no homozygotes.

Submissions (3):

Color Diagnostics, LLC DBA Color Health
Classification: Likely benign for Hereditary cancer-predisposing syndrome. Last evaluated: 2025-07-17. Review status: criteria provided, single submitter. Criteria: ACMG Guidelines, 2015. Collection method: clinical testing. Allele origin: germline.

Myriad Genetics, Inc.
Classification: Likely benign for Lynch syndrome 5. Last evaluated: 2025-01-03. Review status: criteria provided, single submitter. Criteria: Myriad Autosomal Dominant, Autosomal Recessive and X-Linked Classification Criteria (2023). Collection method: clinical testing. Allele origin: unknown.
Comment: This variant is considered likely benign. This variant is intronic and is not expected to impact mRNA splicing.

Labcorp Genetics (formerly Invitae), Labcorp
Classification: Likely benign for Hereditary nonpolyposis colorectal neoplasms. Last evaluated: 2024-09-17. Review status: criteria provided, single submitter. Criteria: Invitae Variant Classification Sherloc (09022015). Collection method: clinical testing. Allele origin: germline.

NM_000179.3(MSH6):c.3173-5A>C

Gene: MSH6 (mutS homolog 6; plus strand). Cytogenetic location: 2p16.3.
Variant type: single nucleotide variant.
Coding change: c.3173-5A>C on transcript NM_000179.3 (MANE Select); 5 bases into the intron before coding-DNA position 3173, A replaced by C.
Molecular consequence: intron variant.
Genome position (GRCh38, 1-based): chr2:47,803,415, A>C. VCF-style: chr2-47803415-A-C. GRCh37 (hg19) VCF-style: chr2-48030554-A-C.
Other names: c.2267-5A>C (NM_001281493.2, NM_001281494.2); c.2783-5A>C (NM_001281492.2).
Identifiers: ClinVar variation 1566077 (VCV001566077.9), dbSNP rs1669729220, ClinGen allele CA2496051766.